The following is an entry in ClinVar:

ClinVar aggregate classification (germline): Likely benign (1 of 4 stars; one submission).

Allele frequency attached by ClinVar (database versions not stated): ExAC 0.00035.

Submission:

CeGaT Center for Human Genetics Tuebingen
Classification: Likely benign. Last evaluated: 2022-10-01. Review status: criteria provided, single submitter. Criteria: CeGaT Center For Human Genetics Tuebingen Variant Classification Criteria Version 2. Collection method: clinical testing. Allele origin: germline. Affected: yes. Observed: 1 variant allele.
Comment: HYDIN: BP4, BS2

NM_001270974.2(HYDIN):c.2455G>A (p.Val819Ile)

Gene: HYDIN (HYDIN axonemal central pair apparatus protein; minus strand). Cytogenetic location: 16q22.2.
Variant type: single nucleotide variant.
Coding change: c.2455G>A on transcript NM_001270974.2 (MANE Select); coding-DNA position 2455, G replaced by A.
Protein change: p.Val819Ile; replaces valine 819 with isoleucine.
Molecular consequence: missense variant.
Genome position (GRCh38, 1-based): chr16:71,060,578, C>T on the plus strand (G>A on the coding strand, the complement: HYDIN is on the minus strand). VCF-style: chr16-71060578-C-T. GRCh37 (hg19) VCF-style: chr16-71094481-C-T.
Other names: c.2536G>A, p.Val846Ile (NM_001198542.1); c.2506G>A, p.Val836Ile (NM_001198543.1); c.2455G>A, p.Val819Ile (NM_017558.5); short protein forms V819I, V836I, V846I.
Identifiers: ClinVar variation 2646786 (VCV002646786.24), dbSNP rs757713645, ClinGen allele CA8151060.